The following is an entry in ClinVar:

ClinVar aggregate classification (germline): Conflicting classifications of pathogenicity. Review status: criteria provided, conflicting classifications (1 of 4 stars). 2 submissions from 2 submitters: Uncertain significance (1); Likely benign (1). Last evaluated 2022-02-05.

Conditions:
Developmental and epileptic encephalopathy, 31A. Also called: Epileptic encephalopathy, early infantile, 31; Developmental and epileptic encephalopathy, 31. Identifiers: Orphanet 2382, MedGen C4225357, MONDO:0014598, OMIM 616346.

Submissions (2):

Labcorp Genetics (formerly Invitae), Labcorp
Classification: Uncertain significance for Developmental and epileptic encephalopathy, 31A. Last evaluated: 2022-02-05. Review status: criteria provided, single submitter. Criteria: Invitae Variant Classification Sherloc (09022015). Collection method: clinical testing. Allele origin: germline.
Comment: Algorithms developed to predict the effect of missense changes on protein structure and function (SIFT, PolyPhen-2, Align-GVGD) all suggest that this variant is likely to be tolerated. This sequence change replaces glutamic acid, which is acidic and polar, with aspartic acid, which is acidic and polar, at codon 457 of the DNM1 protein (p.Glu457Asp). This variant is not present in population databases (gnomAD no frequency). This variant has not been reported in the literature in individuals affected with DNM1-related conditions. ClinVar contains an entry for this variant (Variation ID: 964264). In summary, the available evidence is currently insufficient to determine the role of this variant in disease. Therefore, it has been classified as a Variant of Uncertain Significance.

GeneDx
Classification: Likely benign. Last evaluated: 2019-12-18. Review status: criteria provided, single submitter. Criteria: GeneDx Variant Classification Process June 2021. Collection method: clinical testing. Allele origin: germline. Affected: yes.
Comment: Not observed in large population cohorts (Lek et al., 2016); In silico analysis, which includes protein predictors and evolutionary conservation, supports that this variant does not alter protein structure/function; Has not been previously published as pathogenic or benign to our knowledge

NM_004408.4(DNM1):c.1371G>T (p.Glu457Asp)

Gene: DNM1 (dynamin 1; plus strand). Cytogenetic location: 9q34.11.
Variant type: single nucleotide variant.
Coding change: c.1371G>T on transcript NM_004408.4 (MANE Select); coding-DNA position 1371, G replaced by T.
Protein change: p.Glu457Asp; replaces glutamic acid 457 with aspartic acid.
Molecular consequence: missense variant.
Genome position (GRCh38, 1-based): chr9:128,234,056, G>T. VCF-style: chr9-128234056-G-T. GRCh37 (hg19) VCF-style: chr9-130996335-G-T.
Other names: c.1371G>T, p.Glu457Asp (NM_001005336.3, NM_001288737.2, NM_001288738.2 and 2 more transcripts); short protein forms E457D.
Identifiers: ClinVar variation 964264 (VCV000964264.11), dbSNP rs1835858946, ClinGen allele CA375022727.